The following is an entry in ClinVar:

ClinVar aggregate classification (germline): Likely benign (1 of 4 stars; one submission).

Conditions:
DNAJC3-related disorder. Also called: DNAJC3-related condition.

gnomAD v4.1: 215 of 1,613,126 alleles (0.013%); highest among the groups gnomAD compares: East Asian, 0.43%; 1 homozygote.

Submission:

PreventionGenetics, part of Exact Sciences
Classification: Likely benign for DNAJC3-related condition. Last evaluated: 2025-10-06. Review status: criteria provided, single submitter. Criteria: ACMG Guidelines, 2015. Collection method: clinical testing. Allele origin: germline.
Comment: This variant is classified as likely benign based on ACMG/AMP sequence variant interpretation guidelines (Richards et al. 2015 PMID: 25741868, with internal and published modifications).

NM_006260.5(DNAJC3):c.631T>C (p.Leu211=)

Gene: DNAJC3 (DnaJ heat shock protein family (Hsp40) member C3; plus strand). Cytogenetic location: 13q32.1.
Variant type: single nucleotide variant.
Coding change: c.631T>C on transcript NM_006260.5 (MANE Select); coding-DNA position 631, T replaced by C.
Protein change: p.Leu211=; no amino-acid change (leucine 211 retained).
Molecular consequence: synonymous variant.
Genome position (GRCh38, 1-based): chr13:95,760,124, T>C. VCF-style: chr13-95760124-T-C. GRCh37 (hg19) VCF-style: chr13-96412378-T-C.
Identifiers: ClinVar variation 4981769 (VCV004981769.1).